The following is an entry in ClinVar:

ClinVar aggregate classification (germline): Conflicting classifications of pathogenicity. Review status: criteria provided, conflicting classifications (1 of 4 stars). 3 submissions from 3 submitters: Likely pathogenic (1); Uncertain significance (2). Last evaluated 2022-01-07.

Conditions:
Hypertrophic cardiomyopathy 7. Also called: CARDIOMYOPATHY, FAMILIAL HYPERTROPHIC, 7, MODIFIER OF; TNNI3-Related Familial Hypertrophic Cardiomyopathy; Familial hypertrophic cardiomyopathy 7. Identifiers: MedGen C1860752, MONDO:0013369, OMIM 613690.
Hypertrophic cardiomyopathy. Also called: HYPERTROPHIC MYOCARDIOPATHY. Identifiers: Orphanet 217569, MedGen C0007194, MeSH D002312, MONDO:0005045, HP:0001639.

gnomAD v4.1: 1 of 1,613,218 alleles (0.000062%); highest among the groups gnomAD compares: Non-Finnish European, 0.000085%; no homozygotes.

Submissions (3):

AiLife Diagnostics
Classification: Uncertain significance. Last evaluated: 2022-01-07. Review status: criteria provided, single submitter. Criteria: ACMG Guidelines, 2015. Collection method: clinical testing. Allele origin: germline. Affected: yes. Observed: 1 variant allele.

Labcorp Genetics (formerly Invitae), Labcorp
Classification: Uncertain significance for Hypertrophic cardiomyopathy. Last evaluated: 2021-05-31. Review status: criteria provided, single submitter. Criteria: Invitae Variant Classification Sherloc (09022015). Collection method: clinical testing. Allele origin: germline.
Comment: This sequence change replaces arginine with leucine at codon 141 of the TNNI3 protein (p.Arg141Leu). The arginine residue is highly conserved and there is a moderate physicochemical difference between arginine and leucine. In summary, the available evidence is currently insufficient to determine the role of this variant in disease. Therefore, it has been classified as a Variant of Uncertain Significance. This variant disrupts the p.Arg141 amino acid residue in TNNI3. Other variant(s) that disrupt this residue have been determined to be pathogenic (PMID: 12707239, 18403758, 23283745, 19645627, 22429680, 25524337, 22876777). This suggests that this residue is clinically significant, and that variants that disrupt this residue are likely to be disease-causing. Algorithms developed to predict the effect of missense changes on protein structure and function (SIFT, PolyPhen-2, Align-GVGD) all suggest that this variant is likely to be disruptive, but these predictions have not been confirmed by published functional studies and their clinical significance is uncertain. This variant has not been reported in the literature in individuals with TNNI3-related conditions. This variant is not present in population databases (ExAC no frequency).

Clinical Genetics Service, Universitary Hospital 12 de Octubre
Classification: Likely pathogenic for Hypertrophic cardiomyopathy 7. Review status: criteria provided, single submitter. Criteria: ACMG Guidelines, 2015. Collection method: clinical testing. Allele origin: germline. Affected: yes.

Literature cited by the submitters: PubMed 12707239 (cited by Labcorp Genetics (formerly Invitae), Labcorp); PubMed 18403758 (cited by Labcorp Genetics (formerly Invitae), Labcorp); PubMed 23283745 (cited by Labcorp Genetics (formerly Invitae), Labcorp); PubMed 19645627 (cited by Labcorp Genetics (formerly Invitae), Labcorp); PubMed 22429680 (cited by Labcorp Genetics (formerly Invitae), Labcorp); PubMed 25524337 (cited by Labcorp Genetics (formerly Invitae), Labcorp); PubMed 22876777 (cited by Labcorp Genetics (formerly Invitae), Labcorp).

NM_000363.5(TNNI3):c.422G>T (p.Arg141Leu)

Gene: TNNI3 (troponin I3, cardiac type; minus strand). Cytogenetic location: 19q13.42.
Variant type: single nucleotide variant.
Coding change: c.422G>T on transcript NM_000363.5 (MANE Select); coding-DNA position 422, G replaced by T.
Protein change: p.Arg141Leu; replaces arginine 141 with leucine.
Molecular consequence: missense variant.
Genome position (GRCh38, 1-based): chr19:55,154,157, C>A on the plus strand (G>T on the coding strand, the complement: TNNI3 is on the minus strand). VCF-style: chr19-55154157-C-A. GRCh37 (hg19) VCF-style: chr19-55665525-C-A.
Other names: short protein forms R141L.
Identifiers: ClinVar variation 1473426 (VCV001473426.10), dbSNP rs397516347, ClinGen allele CA407440581.